The following is an entry in ClinVar:

NM_001048174.2(MUTYH):c.1443A>C (p.Lys481Asn)

Gene: MUTYH (mutY DNA glycosylase; minus strand). Cytogenetic location: 1p34.1.
Variant type: single nucleotide variant.
Coding change: c.1443A>C on transcript NM_001048174.2 (MANE Select); coding-DNA position 1443, A replaced by C.
Protein change: p.Lys481Asn; replaces lysine 481 with asparagine.
Molecular consequence: missense variant. On other transcripts: non-coding transcript variant (7).
Genome position (GRCh38, 1-based): chr1:45,329,429, T>G on the plus strand (A>C on the coding strand, the complement: MUTYH is on the minus strand). VCF-style: chr1-45329429-T-G. GRCh37 (hg19) VCF-style: chr1-45795101-T-G.
Other names: c.1485A>C, p.Lys495Asn (NM_001407083.1, NM_001407085.1); c.1446A>C, p.Lys482Asn (NM_001407086.1, NM_001407078.1, NM_001048172.2 and 1 more transcripts); c.1464A>C, p.Lys488Asn (NM_001407087.1); c.1443A>C, p.Lys481Asn (NM_001407088.1, NM_001407089.1, NM_001407081.1 and 6 more transcripts); c.1167A>C, p.Lys389Asn (NM_001407091.1, NM_001293192.2, NM_001293196.2); c.1518A>C, p.Lys506Asn (NM_012222.3); c.1476A>C, p.Lys492Asn (NM_001407077.1, NM_001293191.2, NM_001407069.1); c.1404A>C, p.Lys468Asn (NM_001407079.1); and 5 more; short protein forms K468N, K481N, K488N, K496N, K506N, K366N, K482N, K492N.
Identifiers: ClinVar variation 4113328 (VCV004113328.1).

ClinVar aggregate classification (germline): Uncertain significance (1 of 4 stars; one submission).

Conditions:
Hereditary cancer-predisposing syndrome. Also called: Tumor predisposition; Neoplastic Syndromes, Hereditary; Hereditary neoplastic syndrome; Hereditary Cancer Syndrome. Identifiers: Orphanet 140162, MedGen C0027672, MeSH D009386, MONDO:0015356.

Submission:

Ambry Genetics
Classification: Uncertain significance for Hereditary cancer-predisposing syndrome. Last evaluated: 2025-08-27. Review status: criteria provided, single submitter. Criteria: Ambry Variant Classification Scheme 2023. Collection method: clinical testing. Allele origin: germline.
Comment: The p.K509N variant (also known as c.1527A>C), located in coding exon 16 of the MUTYH gene, results from an A to C substitution at nucleotide position 1527. The lysine at codon 509 is replaced by asparagine, an amino acid with similar properties. This amino acid position is conserved. In addition, this alteration is predicted to be tolerated by in silico analysis. Based on the available evidence, the clinical significance of this variant remains unclear.